The following is an entry in ClinVar:

NM_001267550.2(TTN):c.105901G>A (p.Ala35301Thr)

Genes: TTN-AS1 (TTN antisense RNA 1; plus strand), TTN (titin; minus strand), LOC129935183 (ATAC-STARR-seq lymphoblastoid active region 16808; plus strand). Cytogenetic location: 2q31.2.
Variant type: single nucleotide variant.
Coding change: c.105901G>A on transcript NM_001267550.2 (MANE Select); coding-DNA position 105901, G replaced by A.
Protein change: p.Ala35301Thr; replaces alanine 35301 with threonine.
Molecular consequence: missense variant.
Genome position (GRCh38, 1-based): chr2:178,530,714, C>T on the plus strand (G>A on the coding strand, the complement: TTN is on the minus strand). VCF-style: chr2-178530714-C-T. GRCh37 (hg19) VCF-style: chr2-179395441-C-T.
Other names: c.100978G>A, p.Ala33660Thr (NM_001256850.1); c.78706G>A, p.Ala26236Thr (NM_003319.4); c.98197G>A, p.Ala32733Thr (NM_133378.4); c.79081G>A, p.Ala26361Thr (NM_133432.3); c.79282G>A, p.Ala26428Thr (NM_133437.4); short protein forms A35301T, A26236T, A32733T, A26361T, A26428T, A33660T.
Identifiers: ClinVar variation 4788173 (VCV004788173.1).

ClinVar aggregate classification (germline): Uncertain significance (1 of 4 stars; one submission).

Conditions:
Autosomal recessive limb-girdle muscular dystrophy type 2J (LGMDR10). Also called: Limb-girdle muscular dystrophy, type 2J; MUSCULAR DYSTROPHY, LIMB-GIRDLE, AUTOSOMAL RECESSIVE 10. Identifiers: Orphanet 140922, MedGen C1837342, MONDO:0012127, OMIM 608807.
Dilated cardiomyopathy 1G (CMD1G). Identifiers: Orphanet 154, MedGen C1858763, MONDO:0011400, OMIM 604145.

Submission:

Labcorp Genetics (formerly Invitae), Labcorp
Classification: Uncertain significance for Dilated cardiomyopathy 1G; Autosomal recessive limb-girdle muscular dystrophy type 2J. Last evaluated: 2025-02-06. Review status: criteria provided, single submitter. Criteria: Invitae Variant Classification Sherloc (09022015). Collection method: clinical testing. Allele origin: germline.
Comment: This sequence change replaces alanine, which is neutral and non-polar, with threonine, which is neutral and polar, at codon 35301 of the TTN protein (p.Ala35301Thr). This variant is not present in population databases (gnomAD no frequency). This variant has not been reported in the literature in individuals affected with TTN-related conditions. Experimental studies and prediction algorithms are not available or were not evaluated, and the functional significance of this variant is currently unknown. This variant is located in the M band of TTN (PMID: 25589632). Non-truncating variants in this region may be relevant for neuromuscular disorders, but have not been definitively shown to cause cardiomyopathy (PMID: 23975875). In summary, the available evidence is currently insufficient to determine the role of this variant in disease. Therefore, it has been classified as a Variant of Uncertain Significance.

Literature cited by the submitters: PubMed 25589632; PubMed 23975875.